The following is an entry in ClinVar:

ClinVar aggregate classification (germline): Pathogenic (1 of 4 stars; one submission).

Conditions:
Citrullinemia. Identifiers: Orphanet 187, MedGen C0175683, MONDO:0015991.

Submission:

Labcorp Genetics (formerly Invitae), Labcorp
Classification: Pathogenic for Citrullinemia. Last evaluated: 2022-05-31. Review status: criteria provided, single submitter. Criteria: Invitae Variant Classification Sherloc (09022015). Collection method: clinical testing. Allele origin: germline.
Comment: This sequence change creates a premature translational stop signal (p.Lys155*) in the ASS1 gene. It is expected to result in an absent or disrupted protein product. Loss-of-function variants in ASS1 are known to be pathogenic (PMID: 18473344, 19006241). This variant is not present in population databases (gnomAD no frequency). This variant has not been reported in the literature in individuals affected with ASS1-related conditions. For these reasons, this variant has been classified as Pathogenic.

Literature cited by the submitters: PubMed 18473344; PubMed 19006241.

NM_054012.4(ASS1):c.463A>T (p.Lys155Ter)

Gene: ASS1 (argininosuccinate synthase 1; plus strand). Cytogenetic location: 9q34.11.
Variant type: single nucleotide variant.
Coding change: c.463A>T on transcript NM_054012.4 (MANE Select); coding-DNA position 463, A replaced by T.
Protein change: p.Lys155Ter; replaces lysine 155 with a stop codon.
Molecular consequence: nonsense.
Genome position (GRCh38, 1-based): chr9:130,466,767, A>T. VCF-style: chr9-130466767-A-T. GRCh37 (hg19) VCF-style: chr9-133342154-A-T.
Other names: c.463A>T, p.Lys155Ter (NM_000050.4); short protein forms K155*.
Identifiers: ClinVar variation 2061871 (VCV002061871.4), dbSNP rs746855701, ClinGen allele CA375226459.